The following is an entry in ClinVar:

ClinVar aggregate classification (germline): Pathogenic (1 of 4 stars; one submission).

Conditions:
Generalized epilepsy with febrile seizures plus, type 2 (GEFSP2). Also called: GEFS+, TYPE 2. Identifiers: Orphanet 36387, MedGen C1858673, MONDO:0011461, OMIM 604403.

Submission:

Cavalleri Lab, Royal College of Surgeons in Ireland
Classification: Pathogenic for Generalized epilepsy with febrile seizures plus, type 2. Last evaluated: 2019-12-11. Review status: criteria provided, single submitter. Criteria: ACMG Guidelines, 2015. Collection method: research. Allele origin: de novo. Inheritance: Sporadic. Affected: yes.
Comment: ACMG evidence PVS1, PS2, PM2, PP3

Literature cited by the submitters: PubMed 32238909.

NM_001165963.4(SCN1A):c.4024G>T (p.Gly1342Ter)

Genes: SCN1A (sodium voltage-gated channel alpha subunit 1; minus strand), LOC102724058 (uncharacterized LOC102724058; plus strand). Cytogenetic location: 2q24.3.
Variant type: single nucleotide variant.
Coding change: c.4024G>T on transcript NM_001165963.4 (MANE Select); coding-DNA position 4024, G replaced by T.
Protein change: p.Gly1342Ter; replaces glycine 1342 with a stop codon.
Molecular consequence: nonsense. On other transcripts: non-coding transcript variant (1).
Genome position (GRCh38, 1-based): chr2:166,002,732, C>A on the plus strand (G>T on the coding strand, the complement: SCN1A is on the minus strand). VCF-style: chr2-166002732-C-A. GRCh37 (hg19) VCF-style: chr2-166859242-C-A.
Other names: c.4024G>T, p.Gly1342Ter (NM_001202435.3, NM_001353948.2); c.3940G>T, p.Gly1314Ter (NM_001165964.3, NM_001353957.2, NM_001353958.2); c.3991G>T, p.Gly1331Ter (NM_001353949.2, NM_001353950.2, NM_001353951.2 and 2 more transcripts); c.3988G>T, p.Gly1330Ter (NM_001353954.2, NM_001353955.2); c.3937G>T, p.Gly1313Ter (NM_001353960.2); c.1582G>T, p.Gly528Ter (NM_001353961.2); short protein forms G1314*, G528*, G1342*, G1313*, G1330*, G1331*.
Identifiers: ClinVar variation 812186 (VCV000812186.1), dbSNP rs1553525358, ClinGen allele CA349050794.
Genomic context (GRCh38, chr2:166,002,732, plus strand): 5'-TGAAAATTAGCCAGAATATAAGACAAACCAGAAGCACATTCATGATGGATGGAATTGCTC[C>A]TAAAAGGGCATTCACAACCACCTAATACACAAATGGAAAAAAAGAAAAGTCAGAATTCTT-3'